The following is an entry in ClinVar:

ClinVar aggregate classification (germline): Pathogenic (1 of 4 stars; one submission).

Conditions:
Primary ciliary dyskinesia 3. Identifiers: Orphanet 244, MedGen C1837618, MONDO:0012085, OMIM 608644.

Submission:

Myriad Genetics, Inc.
Classification: Pathogenic for Primary ciliary dyskinesia 3. Last evaluated: 2023-08-23. Review status: criteria provided, single submitter. Criteria: Myriad Autosomal Dominant, Autosomal Recessive and X-Linked Classification Criteria (2023). Collection method: clinical testing. Allele origin: unknown.
Comment: NM_001369.2(DNAH5):c.8322delG(W2774Cfs*3) is expected to be pathogenic in the context of primary ciliary dyskinesia, DNAH5-related. This variant is predicted to lead to an abnormal or absent protein product due to the creation of a premature termination codon in DNAH5, a gene where loss-of-function variants are known to be pathogenic. Please note: this variant was assessed in the context of healthy population screening.

NM_001369.3(DNAH5):c.8322del (p.Trp2774fs)

Gene: DNAH5 (dynein axonemal heavy chain 5; minus strand). Cytogenetic location: 5p15.2.
Variant type: Deletion.
Coding change: c.8322del on transcript NM_001369.3 (MANE Select); coding-DNA position 8322, one base deleted (G; older notation c.8322delG).
Protein change: p.Trp2774fs; shifts the reading frame from tryptophan 2774.
Molecular consequence: frameshift variant.
Genome position (GRCh38, 1-based): chr5:13,792,120, C deleted on the plus strand (G on the coding strand, the reverse complement: DNAH5 is on the minus strand); the first of 2 consecutive C bases (chr5:13,792,120-13,792,121); deleting either gives the same sequence. VCF-style (leftmost placement, unchanged base first): chr5-13792119-GC-G. GRCh37 (hg19) VCF-style: chr5-13792228-GC-G.
Other names: short protein forms W2774fs.
Identifiers: ClinVar variation 5011469 (VCV005011469.1).